The following is an entry in ClinVar:

ClinVar aggregate classification (germline): Uncertain significance (1 of 4 stars; one submission).

Conditions:
Familial melanoma. Also called: Hereditary melanoma; Hereditary cutaneous melanoma. Identifiers: Orphanet 618, MedGen C1512419, MONDO:0018961.

Submission:

Labcorp Genetics (formerly Invitae), Labcorp
Classification: Uncertain significance for Familial melanoma. Last evaluated: 2025-06-30. Review status: criteria provided, single submitter. Criteria: Invitae Variant Classification Sherloc (09022015). Collection method: clinical testing. Allele origin: germline.
Comment: This sequence change replaces glutamic acid, which is acidic and polar, with glycine, which is neutral and non-polar, at codon 94 of the CDK4 protein (p.Glu94Gly). This variant is not present in population databases (gnomAD no frequency). This variant has not been reported in the literature in individuals affected with CDK4-related conditions. Invitae Evidence Modeling of protein sequence and biophysical properties (such as structural, functional, and spatial information, amino acid conservation, physicochemical variation, residue mobility, and thermodynamic stability) indicates that this missense variant is expected to disrupt CDK4 protein function with a positive predictive value of 95%. In summary, the available evidence is currently insufficient to determine the role of this variant in disease. Therefore, it has been classified as a Variant of Uncertain Significance.

NM_000075.4(CDK4):c.281A>G (p.Glu94Gly)

Gene: CDK4 (cyclin dependent kinase 4; minus strand). Cytogenetic location: 12q14.1.
Variant type: single nucleotide variant.
Coding change: c.281A>G on transcript NM_000075.4 (MANE Select); coding-DNA position 281, A replaced by G.
Protein change: p.Glu94Gly; replaces glutamic acid 94 with glycine.
Molecular consequence: missense variant.
Genome position (GRCh38, 1-based): chr12:57,751,280, T>C on the plus strand (A>G on the coding strand, the complement: CDK4 is on the minus strand). VCF-style: chr12-57751280-T-C. GRCh37 (hg19) VCF-style: chr12-58145063-T-C.
Other names: short protein forms E94G.
Identifiers: ClinVar variation 4736886 (VCV004736886.1).